The following is an entry in ClinVar:

ClinVar aggregate classification (germline): Uncertain significance (1 of 4 stars; one submission).

Allele frequency attached by ClinVar (database versions not stated): gnomAD exomes below 0.00001.
gnomAD v4.1: 1 of 1,612,666 alleles (0.000062%); highest among the groups gnomAD compares: Non-Finnish European, 0.000085%; no homozygotes.

Submission:

GeneDx
Classification: Uncertain significance. Last evaluated: 2022-09-30. Review status: criteria provided, single submitter. Criteria: GeneDx Variant Classification Process June 2021. Collection method: clinical testing. Allele origin: germline. Affected: yes.
Comment: Not observed at significant frequency in large population cohorts (gnomAD); In silico analysis supports that this missense variant has a deleterious effect on protein structure/function; Has not been previously published as pathogenic or benign to our knowledge

NM_001378328.1(CELSR1):c.5506G>A (p.Gly1836Arg)

Gene: CELSR1 (cadherin EGF LAG seven-pass G-type receptor 1; minus strand). Cytogenetic location: 22q13.31.
Variant type: single nucleotide variant.
Coding change: c.5506G>A on transcript NM_001378328.1 (MANE Select); coding-DNA position 5506, G replaced by A.
Protein change: p.Gly1836Arg; replaces glycine 1836 with arginine.
Molecular consequence: missense variant.
Genome position (GRCh38, 1-based): chr22:46,398,544, C>T on the plus strand (G>A on the coding strand, the complement: CELSR1 is on the minus strand). VCF-style: chr22-46398544-C-T. GRCh37 (hg19) VCF-style: chr22-46794441-C-T.
Other names: c.5506G>A, p.Gly1836Arg (NM_014246.4); short protein forms G1836R.
Identifiers: ClinVar variation 2446515 (VCV002446515.1), dbSNP rs2079176060, ClinGen allele CA411947544.